The following is an entry in ClinVar:

NM_001130987.2(DYSF):c.2077C>T (p.Gln693Ter)

Gene: DYSF (dysferlin; plus strand). Cytogenetic location: 2p13.2.
Variant type: single nucleotide variant.
Coding change: c.2077C>T on transcript NM_001130987.2 (MANE Select); coding-DNA position 2077, C replaced by T.
Protein change: p.Gln693Ter; replaces glutamine 693 with a stop codon.
Molecular consequence: nonsense.
Genome position (GRCh38, 1-based): chr2:71,553,899, C>T. VCF-style: chr2-71553899-C-T. GRCh37 (hg19) VCF-style: chr2-71781029-C-T.
Other names: c.2026C>T, p.Gln676Ter (NM_001130455.2, NM_001130983.2); c.1981C>T, p.Gln661Ter (NM_001130976.2, NM_001130977.2); c.2023C>T, p.Gln675Ter (NM_001130978.2, NM_003494.4); c.2116C>T, p.Gln706Ter (NM_001130979.2); c.2074C>T, p.Gln692Ter (NM_001130980.2, NM_001130981.2); c.2119C>T, p.Gln707Ter (NM_001130982.2); c.1984C>T, p.Gln662Ter (NM_001130984.2, NM_001130986.2); c.2077C>T, p.Gln693Ter (NM_001130985.2); short protein forms Q692*, Q693*, Q707*, Q675*, Q661*, Q676*, Q706*, Q662*.
Identifiers: ClinVar variation 1446079 (VCV001446079.6), dbSNP rs2152792645, ClinGen allele CA347218989.
Genomic context (GRCh38, chr2:71,553,899, plus strand): 5'-GTGAAACCTGTGGTGGTGCTGTCATCCTACTGGGAGGACATCAGCCATAGAATCGAGACT[C>T]AGAACCAGCTGCTTGGGATTGCTGACCGGCTGGTGAGTGAAAACTTGCCCAAAGCTGCAC-3'

ClinVar aggregate classification (germline): Pathogenic (1 of 4 stars; one submission).

Conditions:
Neuromuscular disease caused by qualitative or quantitative defects of dysferlin. Also called: Qualitative or quantitative defects of dysferlin; Dysferlinopathy. Identifiers: Orphanet 207073, MedGen C2931687, MONDO:0016145.

gnomAD v4.1: 1 of 1,614,184 alleles (0.000062%); highest among the groups gnomAD compares: Non-Finnish European, 0.000085%; no homozygotes.

Submission:

Labcorp Genetics (formerly Invitae), Labcorp
Classification: Pathogenic for Neuromuscular disease caused by qualitative or quantitative defects of dysferlin. Last evaluated: 2021-05-30. Review status: criteria provided, single submitter. Criteria: Invitae Variant Classification Sherloc (09022015). Collection method: clinical testing. Allele origin: germline.
Comment: For these reasons, this variant has been classified as Pathogenic. This variant has not been reported in the literature in individuals with DYSF-related conditions. This variant is not present in population databases (ExAC no frequency). This sequence change creates a premature translational stop signal (p.Gln675*) in the DYSF gene. It is expected to result in an absent or disrupted protein product. Loss-of-function variants in DYSF are known to be pathogenic (PMID: 17698709, 20301480).

Literature cited by the submitters: PubMed 17698709; PubMed 20301480.